The following is an entry in ClinVar:

NM_178822.5(IGSF10):c.7450A>G (p.Ile2484Val)

Gene: IGSF10 (immunoglobulin superfamily member 10; minus strand). Cytogenetic location: 3q25.1.
Variant type: single nucleotide variant.
Coding change: c.7450A>G on transcript NM_178822.5 (MANE Select); coding-DNA position 7450, A replaced by G.
Protein change: p.Ile2484Val; replaces isoleucine 2484 with valine.
Molecular consequence: missense variant.
Genome position (GRCh38, 1-based): chr3:151,437,111, T>C on the plus strand (A>G on the coding strand, the complement: IGSF10 is on the minus strand). VCF-style: chr3-151437111-T-C. GRCh37 (hg19) VCF-style: chr3-151154899-T-C.
Other names: c.7450A>G, p.Ile2484Val (NM_001385063.1, NM_001385060.1, NM_001385061.1 and 1 more transcripts); c.1387A>G, p.Ile463Val (NM_001178145.3, NM_001178146.3); short protein forms I463V, I2484V.
Identifiers: ClinVar variation 2410700 (VCV002410700.27), dbSNP rs201011440, ClinGen allele CA2669260.

ClinVar aggregate classification (germline): Uncertain significance. Review status: criteria provided, multiple submitters, no conflicts (2 of 4 stars). 2 submissions from 2 submitters: Uncertain significance (2). Last evaluated 2023-09-01.

Allele frequency attached by ClinVar (database versions not stated): gnomAD 0.00008; ExAC 0.00013; TOPMed 0.00013; ESP Exome Variant Server 0.00015.
gnomAD v4.1: 213 of 1,614,088 alleles (0.013%); highest among the groups gnomAD compares: Non-Finnish European, 0.013%; no homozygotes.

Submissions (2):

CeGaT Center for Human Genetics Tuebingen
Classification: Uncertain significance. Last evaluated: 2023-09-01. Review status: criteria provided, single submitter. Criteria: CeGaT Center For Human Genetics Tuebingen Variant Classification Criteria Version 2. Collection method: clinical testing. Allele origin: germline. Affected: yes. Observed: 1 variant allele.
Comment: IGSF10: PM2, BP4

Ambry Genetics
Classification: Uncertain significance. Last evaluated: 2022-07-19. Review status: criteria provided, single submitter. Criteria: Ambry Variant Classification Scheme 2023. Collection method: clinical testing. Allele origin: germline.